The following is an entry in ClinVar:

NM_006953.4(UPK3A):c.549A>G (p.Ser183=)

Gene: UPK3A (uroplakin 3A; plus strand). Cytogenetic location: 22q13.31.
Variant type: single nucleotide variant.
Coding change: c.549A>G on transcript NM_006953.4 (MANE Select); coding-DNA position 549, A replaced by G.
Protein change: p.Ser183=; no amino-acid change (serine 183 retained).
Molecular consequence: synonymous variant. On other transcripts: intron variant (1).
Genome position (GRCh38, 1-based): chr22:45,289,121, A>G. VCF-style: chr22-45289121-A-G. GRCh37 (hg19) VCF-style: chr22-45685002-A-G.
Other names: c.208+3025A>G (NM_001167574.2).
Identifiers: ClinVar variation 341981 (VCV000341981.10), dbSNP rs1135360, ClinGen allele CA10284433.

ClinVar aggregate classification (germline): Benign. Review status: criteria provided, multiple submitters, no conflicts (2 of 4 stars). 6 submissions from 6 submitters: Benign (5). 1 of the submissions does not count toward it. Last evaluated 2024-11-28.

Conditions:
Renal hypodysplasia/aplasia 1 (RHDA1). Also called: RENAL APLASIA; HEREDITARY RENAL APLASIA. Identifiers: Orphanet 411709, MedGen C1619700, MONDO:0024519, OMIM 191830.

Allele frequency attached by ClinVar (database versions not stated): gnomAD exomes 0.49934; ExAC 0.50399; ESP Exome Variant Server 0.55444; gnomAD 0.56386 and 0.56430; TOPMed 0.57596; 1000 Genomes Project 0.66434; 1000 Genomes Project 30x 0.66927.
gnomAD v4.1: 747,072 of 1,613,364 alleles (46%); highest among the groups gnomAD compares: African/African-American, 85%; 181,954 homozygotes.

Submissions (6):

Blueprint Genetics
Classification: Benign. Last evaluated: 2024-11-28. Review status: criteria provided, single submitter. Criteria: ACMG Guidelines, 2015. Collection method: clinical testing. Allele origin: germline.

GeneDx
Classification: Benign. Last evaluated: 2018-11-12. Review status: criteria provided, single submitter. Criteria: GeneDx Variant Classification Process June 2021. Collection method: clinical testing. Allele origin: germline. Affected: yes.

Illumina Laboratory Services, Illumina
Classification: Benign for Renal hypodysplasia/aplasia 1. Last evaluated: 2018-01-13. Review status: criteria provided, single submitter. Criteria: ICSL Variant Classification Criteria 13 December 2019. Collection method: clinical testing. Allele origin: germline.
Comment: This variant was observed in the ICSL laboratory as part of a predisposition screen in an ostensibly healthy population. It had not been previously curated by ICSL or reported in the Human Gene Mutation Database (HGMD: prior to June 1st, 2018), and was therefore a candidate for classification through an automated scoring system. Utilizing variant allele frequency, disease prevalence and penetrance estimates, and inheritance mode, an automated score was calculated to assess if this variant is too frequent to cause the disease. Based on the score and internal cut-off values, a variant classified as benign is not then subjected to further curation. The score for this variant resulted in a classification of benign for this disease.

Genome Diagnostics Laboratory, University Medical Center Utrecht
Classification: Benign for Renal hypodysplasia/aplasia 1. Last evaluated: 2014-10-10. Review status: criteria provided, single submitter. Criteria: ACGS Guidelines, 2013. Collection method: clinical testing. Allele origin: germline. Affected: yes. Study: VKGL Data-share Consensus.

Breakthrough Genomics
Classification: Benign. Review status: criteria provided, single submitter. Criteria: ACMG Guidelines, 2015. Collection method: not provided. Allele origin: germline. Inheritance: Unknown mechanism. Affected: yes.

Diagnostic Laboratory, Department of Genetics, University Medical Center Groningen
Classification: Benign for Renal hypodysplasia/aplasia 1. Review status: no assertion criteria provided. Collection method: clinical testing. Allele origin: germline. Affected: yes. Study: VKGL Data-share Consensus. Not counted in ClinVar's aggregate classification.